The following is an entry in ClinVar:

NM_001349253.2(SCN11A):c.3540T>C (p.Asn1180=)

Genes: SCN11A (sodium voltage-gated channel alpha subunit 11; minus strand), LOC126806652 (CDK7 strongly-dependent group 2 enhancer GRCh37_chr3:38912374-38913573; plus strand). Cytogenetic location: 3p22.2.
Variant type: single nucleotide variant.
Coding change: c.3540T>C on transcript NM_001349253.2 (MANE Select); coding-DNA position 3540, T replaced by C.
Protein change: p.Asn1180=; no amino-acid change (asparagine 1180 retained).
Molecular consequence: synonymous variant.
Genome position (GRCh38, 1-based): chr3:38,871,664, A>G on the plus strand (T>C on the coding strand, the complement: SCN11A is on the minus strand). VCF-style: chr3-38871664-A-G. GRCh37 (hg19) VCF-style: chr3-38913155-A-G.
Other names: c.3540T>C, p.Asn1180= (NM_014139.3).
Identifiers: ClinVar variation 3054009 (VCV003054009.2), dbSNP rs2471030749, ClinGen allele CA433335999.
Genomic context (GRCh38, chr3:38,871,664, plus strand): 5'-AAAGAAGTATACTCCCAGAATACAAAATACGAGCCAGAAAATGAGGCAGACAAGCAAAAC[A>G]TTCAGAATGGCAGGTATGGCACCTATGAGAGCATTGACCACCACCTTATGGAAACAAAAG-3'
Protein context (NP_001336182.1, residues 1170-1190): ALIGAIPAIL[Asn1180=]VLLVCLIFWL

ClinVar aggregate classification (germline): Likely benign (0 of 4 stars; one submission).

Conditions:
SCN11A-related disorder. Also called: SCN11A-related condition.

Submission:

PreventionGenetics, part of Exact Sciences
Classification: Likely benign for SCN11A-related condition. Last evaluated: 2020-04-29. Review status: no assertion criteria provided. Collection method: clinical testing. Allele origin: germline.
Comment: This variant is classified as likely benign based on ACMG/AMP sequence variant interpretation guidelines (Richards et al. 2015 PMID: 25741868, with internal and published modifications).